The following is an entry in ClinVar:

NM_003701.4(TNFSF11):c.47A>C (p.Glu16Ala)

Genes: TNFSF11 (TNF superfamily member 11; plus strand), LOC130009662 (ATAC-STARR-seq lymphoblastoid silent region 5301; plus strand). Cytogenetic location: 13q14.11.
Variant type: single nucleotide variant.
Coding change: c.47A>C on transcript NM_003701.4 (MANE Select); coding-DNA position 47, A replaced by C.
Protein change: p.Glu16Ala; replaces glutamic acid 16 with alanine.
Molecular consequence: missense variant. On other transcripts: intron variant (1).
Genome position (GRCh38, 1-based): chr13:42,574,350, A>C. VCF-style: chr13-42574350-A-C. GRCh37 (hg19) VCF-style: chr13-43148486-A-C.
Other names: c.-1+2612A>C (NM_033012.4); short protein forms E16A.
Identifiers: ClinVar variation 3693661 (VCV003693661.2).

ClinVar aggregate classification (germline): Uncertain significance (1 of 4 stars; one submission).

gnomAD v4.1: 1 of 1,543,422 alleles (0.000065%); highest among the groups gnomAD compares: African/African-American, 0.0014%; no homozygotes.

Submission:

Labcorp Genetics (formerly Invitae), Labcorp
Classification: Uncertain significance. Last evaluated: 2024-10-21. Review status: criteria provided, single submitter. Criteria: Invitae Variant Classification Sherloc (09022015). Collection method: clinical testing. Allele origin: germline.
Comment: This sequence change replaces glutamic acid, which is acidic and polar, with alanine, which is neutral and non-polar, at codon 16 of the TNFSF11 protein (p.Glu16Ala). This variant is not present in population databases (gnomAD no frequency). This variant has not been reported in the literature in individuals affected with TNFSF11-related conditions. An algorithm developed to predict the effect of missense changes on protein structure and function (PolyPhen-2) suggests that this variant is likely to be tolerated. In summary, the available evidence is currently insufficient to determine the role of this variant in disease. Therefore, it has been classified as a Variant of Uncertain Significance.